The following is an entry in ClinVar:

ClinVar aggregate classification (germline): Uncertain significance (1 of 4 stars; one submission).

Conditions:
3-hydroxy-3-methylglutaryl-CoA synthase deficiency (HMGCS2D). Also called: MITOCHONDRIAL HMG-CoA SYNTHASE DEFICIENCY; HMG-CoA synthase-2 deficiency; HMGCS2 DEFICIENCY. Identifiers: Orphanet 35701, MedGen C2751532, MONDO:0011614, OMIM 605911.

Allele frequency attached by ClinVar (database versions not stated): gnomAD exomes below 0.00001; TOPMed below 0.00001; gnomAD 0.00001.
gnomAD v4.1: 4 of 1,614,026 alleles (0.00025%); highest among the groups gnomAD compares: Non-Finnish European, 0.00025%; no homozygotes.

Submission:

Labcorp Genetics (formerly Invitae), Labcorp
Classification: Uncertain significance for 3-hydroxy-3-methylglutaryl-CoA synthase deficiency. Last evaluated: 2023-08-29. Review status: criteria provided, single submitter. Criteria: Invitae Variant Classification Sherloc (09022015). Collection method: clinical testing. Allele origin: germline.
Comment: This sequence change replaces asparagine, which is neutral and polar, with serine, which is neutral and polar, at codon 349 of the HMGCS2 protein (p.Asn349Ser). This variant is not present in population databases (gnomAD no frequency). In summary, the available evidence is currently insufficient to determine the role of this variant in disease. Therefore, it has been classified as a Variant of Uncertain Significance. An algorithm developed to predict the effect of missense changes on protein structure and function (PolyPhen-2) suggests that this variant is likely to be tolerated. ClinVar contains an entry for this variant (Variation ID: 1451057). This variant has not been reported in the literature in individuals affected with HMGCS2-related conditions.

NM_005518.4(HMGCS2):c.1046A>G (p.Asn349Ser)

Gene: HMGCS2 (3-hydroxy-3-methylglutaryl-CoA synthase 2; minus strand). Cytogenetic location: 1p12.
Variant type: single nucleotide variant.
Coding change: c.1046A>G on transcript NM_005518.4 (MANE Select); coding-DNA position 1046, A replaced by G.
Protein change: p.Asn349Ser; replaces asparagine 349 with serine.
Molecular consequence: missense variant.
Genome position (GRCh38, 1-based): chr1:119,755,568, T>C on the plus strand (A>G on the coding strand, the complement: HMGCS2 is on the minus strand). VCF-style: chr1-119755568-T-C. GRCh37 (hg19) VCF-style: chr1-120298191-T-C.
Other names: c.920A>G, p.Asn307Ser (NM_001166107.1); short protein forms N307S, N349S.
Identifiers: ClinVar variation 1451057 (VCV001451057.6), dbSNP rs1025175254, ClinGen allele CA30271111.